The following is an entry in ClinVar:

NM_015450.3(POT1):c.335C>T (p.Ala112Val)

Gene: POT1 (protection of telomeres 1; minus strand). Cytogenetic location: 7q31.33.
Variant type: single nucleotide variant.
Coding change: c.335C>T on transcript NM_015450.3 (MANE Select); coding-DNA position 335, C replaced by T.
Protein change: p.Ala112Val; replaces alanine 112 with valine.
Molecular consequence: missense variant. On other transcripts: 5 prime UTR variant (1), non-coding transcript variant (3).
Genome position (GRCh38, 1-based): chr7:124,863,561, G>A on the plus strand (C>T on the coding strand, the complement: POT1 is on the minus strand). VCF-style: chr7-124863561-G-A. GRCh37 (hg19) VCF-style: chr7-124503615-G-A.
Other names: c.-59C>T (NM_001042594.2); short protein forms A112V.
Identifiers: ClinVar variation 963606 (VCV000963606.14), dbSNP rs1795650931, ClinGen allele CA369060056.

ClinVar aggregate classification (germline): Uncertain significance. Review status: criteria provided, multiple submitters, no conflicts (2 of 4 stars). 3 submissions from 3 submitters: Uncertain significance (3). Last evaluated 2025-03-12.

Conditions:
Hereditary cancer-predisposing syndrome. Also called: Tumor predisposition; Hereditary Cancer Syndrome; Neoplastic Syndromes, Hereditary; Hereditary neoplastic syndrome. Identifiers: Orphanet 140162, MedGen C0027672, MeSH D009386, MONDO:0015356.
Tumor predisposition syndrome 3 (TPDS3). Also called: Melanoma, cutaneous malignant, susceptibility to, 10; Glioma susceptibility 9; LONG TELOMERE SYNDROME, POT1-RELATED; POT1 Tumor Predisposition. Identifiers: Orphanet 618, MedGen C4014476, MONDO:0014368, OMIM 615848.

Allele frequency attached by ClinVar (database versions not stated): gnomAD 0.00001; gnomAD exomes 0.00001.
gnomAD v4.1: 10 of 1,613,652 alleles (0.00062%); highest among the groups gnomAD compares: Admixed American, 0.0033%; no homozygotes.

Submissions (3):

Labcorp Genetics (formerly Invitae), Labcorp
Classification: Uncertain significance for Tumor predisposition syndrome 3. Last evaluated: 2025-03-12. Review status: criteria provided, single submitter. Criteria: Invitae Variant Classification Sherloc (09022015). Collection method: clinical testing. Allele origin: germline.
Comment: This sequence change replaces alanine, which is neutral and non-polar, with valine, which is neutral and non-polar, at codon 112 of the POT1 protein (p.Ala112Val). This variant is not present in population databases (gnomAD no frequency). This variant has not been reported in the literature in individuals affected with POT1-related conditions. ClinVar contains an entry for this variant (Variation ID: 963606). Invitae Evidence Modeling of protein sequence and biophysical properties (such as structural, functional, and spatial information, amino acid conservation, physicochemical variation, residue mobility, and thermodynamic stability) indicates that this missense variant is not expected to disrupt POT1 protein function with a negative predictive value of 80%. In summary, the available evidence is currently insufficient to determine the role of this variant in disease. Therefore, it has been classified as a Variant of Uncertain Significance.

Ambry Genetics
Classification: Uncertain significance for Hereditary cancer-predisposing syndrome. Last evaluated: 2024-10-27. Review status: criteria provided, single submitter. Criteria: Ambry Variant Classification Scheme 2023. Collection method: clinical testing. Allele origin: germline.
Comment: The p.A112V variant (also known as c.335C>T), located in coding exon 4 of the POT1 gene, results from a C to T substitution at nucleotide position 335. The alanine at codon 112 is replaced by valine, an amino acid with similar properties. This amino acid position is not well conserved in available vertebrate species. In addition, this alteration is predicted to be tolerated by in silico analysis. Since supporting evidence is limited at this time, the clinical significance of this alteration remains unclear.

GeneDx
Classification: Uncertain significance. Last evaluated: 2024-02-09. Review status: criteria provided, single submitter. Criteria: GeneDx Variant Classification Process June 2021. Collection method: clinical testing. Allele origin: germline. Affected: yes.
Comment: Not observed at significant frequency in large population cohorts (gnomAD); In silico analysis supports that this missense variant does not alter protein structure/function; Has not been previously published as pathogenic or benign to our knowledge; This variant is associated with the following publications: (PMID: 28393830)